The following is an entry in ClinVar:

ClinVar aggregate classification (germline): Benign/Likely benign. Review status: criteria provided, multiple submitters, no conflicts (2 of 4 stars). 3 submissions from 3 submitters: Benign (1); Likely benign (2). Last evaluated 2025-04-29.

Conditions:
Tuberous sclerosis 1 (TSC1). Identifiers: Orphanet 805, MedGen C1854465, MONDO:0008612, OMIM 191100.
Hereditary cancer-predisposing syndrome. Also called: Tumor predisposition; Hereditary Cancer Syndrome; Neoplastic Syndromes, Hereditary; Hereditary neoplastic syndrome. Identifiers: Orphanet 140162, MedGen C0027672, MeSH D009386, MONDO:0015356.

Submissions (3):

Myriad Genetics, Inc.
Classification: Benign for Tuberous sclerosis 1. Last evaluated: 2025-04-29. Review status: criteria provided, single submitter. Criteria: Myriad Autosomal Dominant, Autosomal Recessive and X-Linked Classification Criteria (2023). Collection method: clinical testing. Allele origin: unknown.
Comment: This variant is considered benign. This variant is a silent/synonymous amino acid change and it is not expected to impact splicing.

Labcorp Genetics (formerly Invitae), Labcorp
Classification: Likely benign for Tuberous sclerosis 1. Last evaluated: 2024-03-06. Review status: criteria provided, single submitter. Criteria: Invitae Variant Classification Sherloc (09022015). Collection method: clinical testing. Allele origin: germline.

Ambry Genetics
Classification: Likely benign for Hereditary cancer-predisposing syndrome. Last evaluated: 2022-01-18. Review status: criteria provided, single submitter. Criteria: Ambry Variant Classification Scheme 2023. Collection method: clinical testing. Allele origin: germline.

NM_000368.5(TSC1):c.2808G>A (p.Gln936=)

Gene: TSC1 (TSC complex subunit 1; minus strand). Cytogenetic location: 9q34.13.
Variant type: single nucleotide variant.
Coding change: c.2808G>A on transcript NM_000368.5 (MANE Select); coding-DNA position 2808, G replaced by A.
Protein change: p.Gln936=; no amino-acid change (glutamine 936 retained).
Molecular consequence: synonymous variant.
Genome position (GRCh38, 1-based): chr9:132,897,428, C>T on the plus strand (G>A on the coding strand, the complement: TSC1 is on the minus strand). VCF-style: chr9-132897428-C-T. GRCh37 (hg19) VCF-style: chr9-135772815-C-T.
Other names: c.2805G>A, p.Gln935= (NM_001162426.2); c.2655G>A, p.Gln885= (NM_001162427.2); c.2445G>A, p.Gln815= (NM_001362177.2).
Identifiers: ClinVar variation 764113 (VCV000764113.12), dbSNP rs1588290331, ClinGen allele CA467812733.
Genomic context (GRCh38, chr9:132,897,428, plus strand): 5'-AATATAGGAAGTTCCACTTAATAAAAACACAAAAGCCTTTCCTGATGAAAGTTACCTTGC[C>T]TGGAGTTTGACATCCTCTAGATATTTCTTCTGTTCCAAAAGAAGGTGGTCTTTCTTGGCC-3'
Protein context (NP_000359.1, residues 926-946): QKKYLEDVKL[Gln936=]ARGQLQAAES